The following is an entry in ClinVar:

ClinVar aggregate classification (germline): Uncertain significance (1 of 4 stars; one submission).

gnomAD v4.1: 1 of 1,613,862 alleles (0.000062%); highest among the groups gnomAD compares: Non-Finnish European, 0.000085%; no homozygotes.

Submission:

CeGaT Center for Human Genetics Tuebingen
Classification: Uncertain significance. Last evaluated: 2023-03-01. Review status: criteria provided, single submitter. Criteria: CeGaT Center For Human Genetics Tuebingen Variant Classification Criteria Version 2. Collection method: clinical testing. Allele origin: germline. Affected: yes. Observed: 1 variant allele.
Comment: ATP1A1: PP2, PP3

NM_000701.8(ATP1A1):c.20G>T (p.Arg7Leu)

Gene: ATP1A1 (ATPase Na+/K+ transporting subunit alpha 1; plus strand). Cytogenetic location: 1p13.1.
Variant type: single nucleotide variant.
Coding change: c.20G>T on transcript NM_000701.8 (MANE Select); coding-DNA position 20, G replaced by T.
Protein change: p.Arg7Leu; replaces arginine 7 with leucine.
Molecular consequence: missense variant. On other transcripts: 5 prime UTR variant (1).
Genome position (GRCh38, 1-based): chr1:116,384,021, G>T. VCF-style: chr1-116384021-G-T. GRCh37 (hg19) VCF-style: chr1-116926643-G-T.
Other names: c.20G>T, p.Arg7Leu (NM_001160233.2); c.-74G>T (NM_001160234.2); short protein forms R7L.
Identifiers: ClinVar variation 2639014 (VCV002639014.24), dbSNP rs146195513, ClinGen allele CA341840174.